The following is an entry in ClinVar:

del(GJB6-D13S1830)

Genes: CRYL1 (crystallin lambda 1; minus strand), MIR4499 (microRNA 4499; minus strand), GJB2 (gap junction protein beta 2; minus strand), GJB6 (gap junction protein beta 6; minus strand), LOC130009323 (ATAC-STARR-seq lymphoblastoid active region 7424; plus strand) and 12 more. Cytogenetic location: 13q12.11.
Variant type: Deletion.
Other names: GJB6-D13S1830: ~309 kb; ~309-kb deletion; 309-KB DEL.
Identifiers: ClinVar variation 5546 (VCV000005546.2).

ClinVar aggregate classification (germline): Pathogenic. Review status: no assertion criteria provided (0 of 4 stars). 3 submissions from 2 submitters: Pathogenic (3). Last evaluated 2016-08-18.

Conditions:
Autosomal recessive nonsyndromic hearing loss 1A (DFNB1A). Also called: Deafness, autosomal recessive 1A; Nonsyndromic Hearing Loss and Deafness, DFNB1; GJB2-Related Autosomal Recessive Nonsyndromic Hearing Loss; GJB6-Related DFNB 1 Nonsyndromic Hearing Loss and Deafness; Connexin 26 deafness; Deafness nonsyndromic, Connexin 26 linked. Identifiers: Orphanet 90636, MedGen C2673759, MONDO:0009076, OMIM 220290.
Autosomal recessive nonsyndromic hearing loss 1B. Also called: DEAFNESS, AUTOSOMAL RECESSIVE 1B. Identifiers: Orphanet 90636, MedGen C2675235, MONDO:0012977, OMIM 612645.
Deafness, digenic, GJB2/GJB6. Identifiers: MedGen C2673760.

Submissions (3):

GeneReviews
Classification: Pathogenic for Autosomal recessive nonsyndromic hearing loss 1A. Last evaluated: 2016-08-18. Review status: no assertion criteria provided. Collection method: literature only. Allele origin: germline. Affected: yes.
Comment: Deletion includes sequences upstream of GJB2 and a portion of GJB6.

OMIM
Classification: Pathogenic for DEAFNESS, AUTOSOMAL RECESSIVE 1B. Last evaluated: 2008-04-01. Review status: no assertion criteria provided. Collection method: literature only. Allele origin: germline.

OMIM
Classification: Pathogenic for DEAFNESS, DIGENIC, GJB2/GJB6. Last evaluated: 2008-04-01. Review status: no assertion criteria provided. Collection method: literature only. Allele origin: germline.

Literature cited by the submitters: PubMed 12172394 (cited by GeneReviews); PubMed 12885339 (cited by GeneReviews); PubMed 14571368 (cited by GeneReviews and OMIM); PubMed 11807148 (cited by OMIM); PubMed 15994881 (cited by OMIM); PubMed 15638823 (cited by OMIM); PubMed 17041943 (cited by OMIM); PubMed 18324688 (cited by OMIM).